The following is an entry in ClinVar:

NM_000255.4(MMUT):c.-11C>A

Gene: MMUT (methylmalonyl-CoA mutase; minus strand). Cytogenetic location: 6p12.3.
Variant type: single nucleotide variant.
Coding change: c.-11C>A on transcript NM_000255.4 (MANE Select); 11 bases upstream of the start codon, C replaced by A.
Molecular consequence: 5 prime UTR variant.
Genome position (GRCh38, 1-based): chr6:49,459,477, G>T on the plus strand (C>A on the coding strand, the complement: MMUT is on the minus strand). VCF-style: chr6-49459477-G-T. GRCh37 (hg19) VCF-style: chr6-49427190-G-T.
Other names: KC594079.1.
Identifiers: ClinVar variation 100702 (VCV000100702.1), dbSNP rs483352790, ClinGen allele CA235515.

ClinVar aggregate classification (germline): not provided (0 of 4 stars; one submission).

Submission:

Medical Genetics Unit, Ain Shams University Pediatrics Hospital
No classification provided. Review status: no classification provided. Collection method: not provided. Allele origin: not provided.
Comment: Methylmalonic aciduria